The following is an entry in ClinVar:

ClinVar aggregate classification (germline): Uncertain significance (1 of 4 stars; one submission).

gnomAD v4.1: 1 of 1,609,592 alleles (0.000062%); no homozygotes.

Submission:

Ambry Genetics
Classification: Uncertain significance. Last evaluated: 2025-01-10. Review status: criteria provided, single submitter. Criteria: Ambry Variant Classification Scheme 2023. Collection method: clinical testing. Allele origin: germline.
Comment: The p.D272N variant (also known as c.814G>A), located in coding exon 7 of the GEN1 gene, results from a G to A substitution at nucleotide position 814. The aspartic acid at codon 272 is replaced by asparagine, an amino acid with highly similar properties. This amino acid position is conserved. In addition, this alteration is predicted to be tolerated by in silico analysis. Based on the available evidence, the clinical significance of this variant remains unclear.

NM_001130009.3(GEN1):c.814G>A (p.Asp272Asn)

Gene: GEN1 (GEN1 Holliday junction 5' flap endonuclease; plus strand). Cytogenetic location: 2p24.2.
Variant type: single nucleotide variant.
Coding change: c.814G>A on transcript NM_001130009.3 (MANE Select); coding-DNA position 814, G replaced by A.
Protein change: p.Asp272Asn; replaces aspartic acid 272 with asparagine.
Molecular consequence: missense variant.
Genome position (GRCh38, 1-based): chr2:17,772,645, G>A. VCF-style: chr2-17772645-G-A. GRCh37 (hg19) VCF-style: chr2-17953912-G-A.
Other names: c.814G>A, p.Asp272Asn (NM_182625.5); short protein forms D272N.
Identifiers: ClinVar variation 3853499 (VCV003853499.1).